The following is an entry in ClinVar:

NM_006758.3(U2AF1):c.470A>C (p.Gln157Pro)

Gene: U2AF1 (U2 small nuclear RNA auxiliary factor 1; minus strand). Cytogenetic location: 21q22.3.
Variant type: single nucleotide variant.
Coding change: c.470A>C on transcript NM_006758.3 (MANE Select); coding-DNA position 470, A replaced by C.
Protein change: p.Gln157Pro; replaces glutamine 157 with proline.
Molecular consequence: missense variant.
Genome position (GRCh38, 1-based): chr21:43,094,667, T>G on the plus strand (A>C on the coding strand, the complement: U2AF1 is on the minus strand). VCF-style: chr21-43094667-T-G. GRCh37 (hg19) VCF-style: chr21-44514777-T-G.
Other names: c.470A>C, p.Gln157Pro (NM_001025203.1); c.251A>C, p.Gln84Pro (NM_001025204.2); short protein forms Q157P, Q84P.
Identifiers: ClinVar variation 376024 (VCV000376024.2), dbSNP rs371246226, ClinGen allele CA16602493.
Genomic context (GRCh38, chr21:43,094,667, plus strand): 5'-ACGGCCCCGAACTGTGCTCAGTCACGTCACTGGCCACTCCTCACTCACCCCATCTCATAC[T>G]GACGGCAGCAGGCTTCTCTGAAGTCCGTCACGGGTGACAGCTCGGCGTGGATCGGCTGTC-3'
Protein context (NP_006749.1, residues 147-167): VTDFREACCR[Gln157Pro]YEMGECTRGG

ClinVar aggregate classification (germline): Likely pathogenic (1 of 4 stars; one submission).

Submission:

Institute for Clinical Genetics, University Hospital TU Dresden, University Hospital TU Dresden
Classification: Likely pathogenic. Last evaluated: 2022-03-15. Review status: criteria provided, single submitter. Criteria: ACMG Guidelines, 2015. Collection method: clinical testing. Allele origin: germline.
Comment: PM1, PP4_MOD, PP3, PP2, PM2_SUP